The following is an entry in ClinVar:

NM_016507.4(CDK12):c.323T>A (p.Leu108Gln)

Genes: CDK12 (cyclin dependent kinase 12; plus strand), LOC126862553 (CDK7 strongly-dependent group 2 enhancer GRCh37_chr17:37618166-37619365; plus strand). Cytogenetic location: 17q12.
Variant type: single nucleotide variant.
Coding change: c.323T>A on transcript NM_016507.4 (MANE Select); coding-DNA position 323, T replaced by A.
Protein change: p.Leu108Gln; replaces leucine 108 with glutamine.
Molecular consequence: missense variant.
Genome position (GRCh38, 1-based): chr17:39,462,394, T>A. VCF-style: chr17-39462394-T-A. GRCh37 (hg19) VCF-style: chr17-37618647-T-A.
Other names: c.323T>A, p.Leu108Gln (NM_015083.4); short protein forms L108Q.
Identifiers: ClinVar variation 4224457 (VCV004224457.1).

ClinVar aggregate classification (germline): Uncertain significance (1 of 4 stars; one submission).

gnomAD v4.1: 1 of 1,614,094 alleles (0.000062%); highest among the groups gnomAD compares: South Asian, 0.0011%; no homozygotes.

Submission:

Ambry Genetics
Classification: Uncertain significance. Last evaluated: 2025-09-10. Review status: criteria provided, single submitter. Criteria: Ambry Variant Classification Scheme 2023. Collection method: clinical testing. Allele origin: germline.
Comment: The p.L108Q variant (also known as c.323T>A), located in coding exon 1 of the CDK12 gene, results from a T to A substitution at nucleotide position 323. The leucine at codon 108 is replaced by glutamine, an amino acid with dissimilar properties. This amino acid position is conserved. In addition, this alteration is predicted to be tolerated by in silico analysis. Based on the available evidence, the clinical significance of this variant remains unclear.